The following is an entry in ClinVar:

ClinVar aggregate classification (germline): Uncertain significance (1 of 4 stars; one submission).

Submission:

GeneDx
Classification: Uncertain significance. Last evaluated: 2026-03-13. Review status: criteria provided, single submitter. Criteria: GeneDx Variant Classification Process June 2021. Collection method: clinical testing. Allele origin: germline.
Comment: Not observed at significant frequency in large population cohorts (gnomAD); In silico analysis supports that this missense variant has a deleterious effect on protein structure/function; Has not been previously published as pathogenic or benign to our knowledge

NM_001429.4(EP300):c.1255A>T (p.Asn419Tyr)

Gene: EP300 (EP300 lysine acetyltransferase; plus strand). Cytogenetic location: 22q13.2.
Variant type: single nucleotide variant.
Coding change: c.1255A>T on transcript NM_001429.4 (MANE Select); coding-DNA position 1255, A replaced by T.
Protein change: p.Asn419Tyr; replaces asparagine 419 with tyrosine.
Molecular consequence: missense variant.
Genome position (GRCh38, 1-based): chr22:41,129,976, A>T. VCF-style: chr22-41129976-A-T. GRCh37 (hg19) VCF-style: chr22-41525980-A-T.
Other names: c.1255A>T, p.Asn419Tyr (NM_001362843.2); short protein forms N419Y.
Identifiers: ClinVar variation 5009187 (VCV005009187.1).